The following is an entry in ClinVar:

NM_018699.4(PRDM5):c.292G>A (p.Ala98Thr)

Gene: PRDM5 (PR/SET domain 5; minus strand). Cytogenetic location: 4q27.
Variant type: single nucleotide variant.
Coding change: c.292G>A on transcript NM_018699.4 (MANE Select); coding-DNA position 292, G replaced by A.
Protein change: p.Ala98Thr; replaces alanine 98 with threonine.
Molecular consequence: missense variant.
Genome position (GRCh38, 1-based): chr4:120,853,426, C>T on the plus strand (G>A on the coding strand, the complement: PRDM5 is on the minus strand). VCF-style: chr4-120853426-C-T. GRCh37 (hg19) VCF-style: chr4-121774581-C-T.
Other names: c.292G>A, p.Ala98Thr (NM_001300823.2, NM_001300824.2, NM_001379104.1 and 1 more transcripts); short protein forms A98T.
Identifiers: ClinVar variation 3783079 (VCV003783079.1).
Genomic context (GRCh38, chr4:120,853,426, plus strand): 5'-AATTCATCCCCCCTCACAGTGCATAGTACAAATGAGAAGCAAATAAGCTCACTTGAATGG[C>T]AGCCAAGTTCTTCTGCTCCTGAGATGGTGCCTCATGAACGAAGCGAAGCCAGTTGGAGTG-3'
Protein context (NP_061169.2, residues 88-108): APSQEQKNLA[Ala98Thr]IQEGENIFYL

ClinVar aggregate classification (germline): Uncertain significance (1 of 4 stars; one submission).

Conditions:
Cardiovascular phenotype. Identifiers: MedGen CN230736.

Submission:

Ambry Genetics
Classification: Uncertain significance for Cardiovascular phenotype. Last evaluated: 2025-02-20. Review status: criteria provided, single submitter. Criteria: Ambry Variant Classification Scheme 2023. Collection method: clinical testing. Allele origin: germline.
Comment: The p.A98T variant (also known as c.292G>A), located in coding exon 3 of the PRDM5 gene, results from a G to A substitution at nucleotide position 292. The alanine at codon 98 is replaced by threonine, an amino acid with similar properties. This amino acid position is conserved. In addition, the in silico prediction for this alteration is inconclusive. Based on the available evidence, the clinical significance of this variant remains unclear.